The following is an entry in ClinVar:

NM_015557.3(CHD5):c.3277C>T (p.Gln1093Ter)

Gene: CHD5 (chromodomain helicase DNA binding protein 5; minus strand). Cytogenetic location: 1p36.31.
Variant type: single nucleotide variant.
Coding change: c.3277C>T on transcript NM_015557.3 (MANE Select); coding-DNA position 3277, C replaced by T.
Protein change: p.Gln1093Ter; replaces glutamine 1093 with a stop codon.
Molecular consequence: nonsense.
Genome position (GRCh38, 1-based): chr1:6,130,314, G>A on the plus strand (C>T on the coding strand, the complement: CHD5 is on the minus strand). VCF-style: chr1-6130314-G-A. GRCh37 (hg19) VCF-style: chr1-6190374-G-A.
Other names: short protein forms Q1093*.
Identifiers: ClinVar variation 3257332 (VCV003257332.17).

ClinVar aggregate classification (germline): Uncertain significance (1 of 4 stars; one submission).

Submission:

CeGaT Center for Human Genetics Tuebingen
Classification: Uncertain significance. Last evaluated: 2024-07-01. Review status: criteria provided, single submitter. Criteria: CeGaT Center For Human Genetics Tuebingen Variant Classification Criteria Version 2. Collection method: clinical testing. Allele origin: germline. Affected: yes. Observed: 1 variant allele.
Comment: CHD5: PM2, PVS1:Moderate